The following is an entry in ClinVar:

NM_018685.5(ANLN):c.332_334del (p.Asp111_Thr112delinsAla)

Gene: ANLN (anillin, actin binding protein; plus strand). Cytogenetic location: 7p14.2.
Variant type: Deletion.
Coding change: c.332_334del on transcript NM_018685.5 (MANE Select); coding-DNA positions 332 to 334, 3 bases deleted (ATA; older notation c.332_334delATA).
Protein change: p.Asp111_Thr112delinsAla.
Molecular consequence: inframe indel.
Genome position (GRCh38, 1-based): chr7:36,399,238-36,399,240, ATA deleted. VCF-style (leftmost placement, unchanged base first): chr7-36399237-GATA-G. GRCh37 (hg19) VCF-style: chr7-36438846-GATA-G.
Other names: c.332_334del, p.Asp111_Thr112delinsAla (NM_001284301.3, NM_001284302.3).
Identifiers: ClinVar variation 1350108 (VCV001350108.6), dbSNP rs1377470953, ClinGen allele CA574228884.
Genomic context (GRCh38, chr7:36,399,237, plus strand): 5'-ACATCTGCAAAATCTTGTTCTCCAAGTCCTGTGTCTCCTCAGGTGCAGCCACAAGCAGCA[GATA>G]CCATCAGTGATTCTGTTGCTGTCCCGGCATCACTGCTGGGCATGAGGAGAGGGCTGAACT-3'

ClinVar aggregate classification (germline): Uncertain significance (1 of 4 stars; one submission).

Allele frequency attached by ClinVar (database versions not stated): TOPMed below 0.00001; gnomAD 0.00001; gnomAD exomes below 0.00001 and 0.00001.

Submission:

Labcorp Genetics (formerly Invitae), Labcorp
Classification: Uncertain significance. Last evaluated: 2022-01-13. Review status: criteria provided, single submitter. Criteria: Invitae Variant Classification Sherloc (09022015). Collection method: clinical testing. Allele origin: germline.
Comment: Experimental studies and prediction algorithms are not available or were not evaluated, and the functional significance of this variant is currently unknown. In summary, the available evidence is currently insufficient to determine the role of this variant in disease. Therefore, it has been classified as a Variant of Uncertain Significance. This variant has not been reported in the literature in individuals affected with ANLN-related conditions. This variant, c.332_334del, is a complex sequence change that results in the deletion of 2 and insertion of 1 amino acid(s) in the ANLN protein (p.Asp111_Thr112delinsAla). This variant is present in population databases (no rsID available, gnomAD 0.0009%).